The following is an entry in ClinVar:

ClinVar aggregate classification (germline): Likely pathogenic (1 of 4 stars; one submission).

Submission:

ARUP Laboratories, Molecular Genetics and Genomics, ARUP Laboratories
Classification: Likely pathogenic. Last evaluated: 2020-01-06. Review status: criteria provided, single submitter. Criteria: ARUP Molecular Germline Variant Investigation Process. Collection method: clinical testing. Allele origin: germline.
Comment: The FBN1 c.2293G>A; p.Asp765Asn variant is reported in the literature in at least one individual affected with Marfan syndrome (Robinson 2012). This variant is absent from general population databases (Exome Variant Server, Genome Aggregation Database), indicating it is not a common polymorphism. The nucleotide at position 2293 is highly conserved, and is the last nucleotide in exon 18. Computational analyses (Alamut v.2.11) predict that this variant may impact splicing by disrupting the canonical splice donor site of intron 18, which is likely to negatively impact gene function. Indeed, RNA analyses from a patient sample show altered splicing at a cryptic site that results in a deletion of 4 nucleotides, so this variant is predicted to result in a truncated protein or mRNA subject to nonsense-mediated decay. Based on available information, this variant is considered to be likely pathogenic. References: Robinson DO et al. Systematic screening of FBN1 gene unclassified missense variants for splice abnormalities. Clin Genet. 2012 Sep;82(3):223-31.

NM_000138.5(FBN1):c.2293G>A (p.Asp765Asn)

Gene: FBN1 (fibrillin 1; minus strand). Cytogenetic location: 15q21.1.
Variant type: single nucleotide variant.
Coding change: c.2293G>A on transcript NM_000138.5 (MANE Select); coding-DNA position 2293, G replaced by A.
Protein change: p.Asp765Asn; replaces aspartic acid 765 with asparagine.
Molecular consequence: missense variant.
Genome position (GRCh38, 1-based): chr15:48,497,266, C>T on the plus strand (G>A on the coding strand, the complement: FBN1 is on the minus strand). VCF-style: chr15-48497266-C-T. GRCh37 (hg19) VCF-style: chr15-48789463-C-T.
Other names: short protein forms D765N.
Identifiers: ClinVar variation 993417 (VCV000993417.8), dbSNP rs2043615915, ClinGen allele CA392335575.